The following is an entry in ClinVar:

NM_006348.5(COG5):c.2335G>A (p.Asp779Asn)

Gene: COG5 (component of oligomeric golgi complex 5; minus strand). Cytogenetic location: 7q22.3.
Variant type: single nucleotide variant.
Coding change: c.2335G>A on transcript NM_006348.5 (MANE Select); coding-DNA position 2335, G replaced by A.
Protein change: p.Asp779Asn; replaces aspartic acid 779 with asparagine.
Molecular consequence: missense variant. On other transcripts: intron variant (1).
Genome position (GRCh38, 1-based): chr7:107,210,566, C>T on the plus strand (G>A on the coding strand, the complement: COG5 is on the minus strand). VCF-style: chr7-107210566-C-T. GRCh37 (hg19) VCF-style: chr7-106851011-C-T.
Other names: c.2335G>A, p.Asp779Asn (NM_001161520.2); c.2173G>A, p.Asp725Asn (NM_001379511.1); c.2161G>A, p.Asp721Asn (NM_001379512.1); c.2020G>A, p.Asp674Asn (NM_001379514.1); c.1765G>A, p.Asp589Asn (NM_001379515.1); c.1621G>A, p.Asp541Asn (NM_001379516.1); c.2272G>A, p.Asp758Asn (NM_181733.4); c.2169-6936G>A (NM_001379513.1); short protein forms D541N, D721N, D758N, D674N, D725N, D779N, D589N.
Identifiers: ClinVar variation 2156371 (VCV002156371.4), dbSNP rs766539340, ClinGen allele CA4430600.

ClinVar aggregate classification (germline): Uncertain significance (1 of 4 stars; one submission).

Conditions:
COG5-congenital disorder of glycosylation. Also called: CDG IIi; CONGENITAL DISORDER OF GLYCOSYLATION, TYPE IIi; COG5-CDG. Identifiers: Orphanet 263487, MedGen C3150876, MONDO:0013325, OMIM 613612.

Allele frequency attached by ClinVar (database versions not stated): gnomAD 0.00001; gnomAD exomes 0.00001; ExAC 0.00005.
gnomAD v4.1: 21 of 1,604,966 alleles (0.0013%); highest among the groups gnomAD compares: Non-Finnish European, 0.0017%; no homozygotes.

Submission:

Labcorp Genetics (formerly Invitae), Labcorp
Classification: Uncertain significance for COG5-congenital disorder of glycosylation. Last evaluated: 2023-11-27. Review status: criteria provided, single submitter. Criteria: Invitae Variant Classification Sherloc (09022015). Collection method: clinical testing. Allele origin: germline.
Comment: This sequence change replaces aspartic acid, which is acidic and polar, with asparagine, which is neutral and polar, at codon 810 of the COG5 protein (p.Asp810Asn). This variant is present in population databases (rs766539340, gnomAD 0.006%). This variant has not been reported in the literature in individuals affected with COG5-related conditions. ClinVar contains an entry for this variant (Variation ID: 2156371). An algorithm developed to predict the effect of missense changes on protein structure and function (PolyPhen-2) suggests that this variant is likely to be disruptive. In summary, the available evidence is currently insufficient to determine the role of this variant in disease. Therefore, it has been classified as a Variant of Uncertain Significance.